The following is an entry in ClinVar:

ClinVar aggregate classification (germline): Uncertain significance (1 of 4 stars; one submission).

Conditions:
Hereditary cancer-predisposing syndrome. Also called: Hereditary Cancer Syndrome; Hereditary neoplastic syndrome; Neoplastic Syndromes, Hereditary; Tumor predisposition. Identifiers: Orphanet 140162, MedGen C0027672, MeSH D009386, MONDO:0015356.

gnomAD v4.1: 1 of 1,603,042 alleles (0.000062%); highest among the groups gnomAD compares: East Asian, 0.0022%; no homozygotes.

Submission:

Ambry Genetics
Classification: Uncertain significance for Hereditary cancer-predisposing syndrome. Last evaluated: 2025-04-25. Review status: criteria provided, single submitter. Criteria: Ambry Variant Classification Scheme 2023. Collection method: clinical testing. Allele origin: germline.
Comment: The p.D802N variant (also known as c.2404G>A), located in coding exon 17 of the MSH3 gene, results from a G to A substitution at nucleotide position 2404. The aspartic acid at codon 802 is replaced by asparagine, an amino acid with highly similar properties. This amino acid position is conserved. In addition, this alteration is predicted to be tolerated by in silico analysis. Based on the available evidence, the clinical significance of this variant remains unclear.

NM_002439.5(MSH3):c.2404G>A (p.Asp802Asn)

Gene: MSH3 (mutS homolog 3; plus strand). Cytogenetic location: 5q14.1.
Variant type: single nucleotide variant.
Coding change: c.2404G>A on transcript NM_002439.5 (MANE Select); coding-DNA position 2404, G replaced by A.
Protein change: p.Asp802Asn; replaces aspartic acid 802 with asparagine.
Molecular consequence: missense variant.
Genome position (GRCh38, 1-based): chr5:80,778,805, G>A. VCF-style: chr5-80778805-G-A. GRCh37 (hg19) VCF-style: chr5-80074624-G-A.
Other names: short protein forms D802N.
Identifiers: ClinVar variation 3913598 (VCV003913598.1).